The following is an entry in ClinVar:

ClinVar aggregate classification (germline): Conflicting classifications of pathogenicity. Review status: criteria provided, conflicting classifications (1 of 4 stars). 4 submissions from 4 submitters: Uncertain significance (3); Likely benign (1). Last evaluated 2024-10-24.

Conditions:
Inborn genetic diseases. Identifiers: MedGen C0950123, MeSH D030342.

Allele frequency attached by ClinVar (database versions not stated): gnomAD 0.00002; gnomAD exomes 0.00002; ExAC 0.00003; TOPMed 0.00003; ESP Exome Variant Server 0.00008.

Submissions (4):

Labcorp Genetics (formerly Invitae), Labcorp
Classification: Likely benign. Last evaluated: 2024-10-24. Review status: criteria provided, single submitter. Criteria: Invitae Variant Classification Sherloc (09022015). Collection method: clinical testing. Allele origin: germline.

Blueprint Genetics
Classification: Uncertain significance. Last evaluated: 2023-03-08. Review status: criteria provided, single submitter. Criteria: ACMG Guidelines, 2015. Collection method: clinical testing. Allele origin: germline.

Ambry Genetics
Classification: Uncertain significance for Inborn genetic diseases. Last evaluated: 2022-05-06. Review status: criteria provided, single submitter. Criteria: Ambry Variant Classification Scheme 2023. Collection method: clinical testing. Allele origin: germline.

GeneDx
Classification: Uncertain significance. Last evaluated: 2021-05-17. Review status: criteria provided, single submitter. Criteria: GeneDx Variant Classification Process June 2021. Collection method: clinical testing. Allele origin: germline. Affected: yes.
Comment: In silico analysis, which includes protein predictors and evolutionary conservation, supports a deleterious effect; Has not been previously published as a germline variant to our knowledge; This variant is associated with the following publications: (PMID: 33535617, 25950492, 26373574, 28781987)

NM_000142.5(FGFR3):c.1195C>T (p.Arg399Cys)

Gene: FGFR3 (fibroblast growth factor receptor 3; plus strand). Cytogenetic location: 4p16.3.
Variant type: single nucleotide variant.
Coding change: c.1195C>T on transcript NM_000142.5 (MANE Select); coding-DNA position 1195, C replaced by T.
Protein change: p.Arg399Cys; replaces arginine 399 with cysteine.
Molecular consequence: missense variant. On other transcripts: non-coding transcript variant (1), intron variant (1).
Genome position (GRCh38, 1-based): chr4:1,804,449, C>T. VCF-style: chr4-1804449-C-T. GRCh37 (hg19) VCF-style: chr4-1806176-C-T.
Other names: c.1201C>T, p.Arg401Cys (NM_001163213.2); c.1195C>T, p.Arg399Cys (NM_001354809.2, NM_001354810.2); c.931-375C>T (NM_022965.4); short protein forms R399C, R401C.
Identifiers: ClinVar variation 1254355 (VCV001254355.10), dbSNP rs370064407, ClinGen allele CA2810286.